The following is an entry in ClinVar:

NM_006015.6(ARID1A):c.742G>A (p.Gly248Ser)

Genes: ARID1A (AT-rich interaction domain 1A; plus strand), LOC129929837 (ATAC-STARR-seq lymphoblastoid silent region 489; plus strand). Cytogenetic location: 1p36.11.
Variant type: single nucleotide variant.
Coding change: c.742G>A on transcript NM_006015.6 (MANE Select); coding-DNA position 742, G replaced by A.
Protein change: p.Gly248Ser; replaces glycine 248 with serine.
Molecular consequence: missense variant.
Genome position (GRCh38, 1-based): chr1:26,697,145, G>A. VCF-style: chr1-26697145-G-A. GRCh37 (hg19) VCF-style: chr1-27023636-G-A.
Other names: c.742G>A, p.Gly248Ser (NM_139135.4); short protein forms G248S.
Identifiers: ClinVar variation 2638527 (VCV002638527.24), dbSNP rs1338292436, ClinGen allele CA339266254.
Genomic context (GRCh38, chr1:26,697,145, plus strand): 5'-GCCTACGCGCTGAGCTCCCCGAGAGGTGGCACTCCGGGCTCCGGCGCGGCGGCGGCTGCC[G>A]GCTCCAAGCCGCCTCCCTCCTCCAGCGCCTCCGCCTCCTCGTCGTCTTCGTCCTTCGCTC-3'
Protein context (NP_006006.3, residues 238-258): TPGSGAAAAA[Gly248Ser]SKPPPSSSAS

ClinVar aggregate classification (germline): Likely benign (1 of 4 stars; one submission).

Allele frequency attached by ClinVar (database versions not stated): TOPMed below 0.00001; gnomAD 0.00001.

Submission:

CeGaT Center for Human Genetics Tuebingen
Classification: Likely benign. Last evaluated: 2023-10-01. Review status: criteria provided, single submitter. Criteria: CeGaT Center For Human Genetics Tuebingen Variant Classification Criteria Version 2. Collection method: clinical testing. Allele origin: germline. Affected: yes. Observed: 1 variant allele.
Comment: ARID1A: BS2